The following is an entry in ClinVar:

ClinVar aggregate classification (germline): Pathogenic/Likely pathogenic. Review status: criteria provided, multiple submitters, no conflicts (2 of 4 stars). 2 submissions from 2 submitters: Pathogenic (1); Likely pathogenic (1). Last evaluated 2024-09-22.

Conditions:
IFT172-related disorder. Also called: IFT172-related disorders; IFT172-related condition.
Short-rib thoracic dysplasia 10 with or without polydactyly (SRTD10). Identifiers: Orphanet 474, MedGen C3810175, MONDO:0014284, OMIM 615630.
Retinitis pigmentosa 71 (RP71). Identifiers: Orphanet 791, MedGen C4225342, MONDO:0014618, OMIM 616394.

Allele frequency attached by ClinVar (database versions not stated): gnomAD exomes below 0.00001 and 0.00001.

Submissions (2):

Blueprint Genetics
Classification: Likely pathogenic for IFT172-related disorders. Last evaluated: 2024-09-22. Review status: criteria provided, single submitter. Criteria: ACMG Guidelines, 2015. Collection method: clinical testing. Allele origin: germline. Affected: yes. Observed: 3 variant alleles.

Labcorp Genetics (formerly Invitae), Labcorp
Classification: Pathogenic for Retinitis pigmentosa 71; Short-rib thoracic dysplasia 10 with or without polydactyly. Last evaluated: 2022-01-18. Review status: criteria provided, single submitter. Criteria: Invitae Variant Classification Sherloc (09022015). Collection method: clinical testing. Allele origin: germline.
Comment: For these reasons, this variant has been classified as Pathogenic. ClinVar contains an entry for this variant (Variation ID: 1071120). This variant has not been reported in the literature in individuals affected with IFT172-related conditions. This variant is present in population databases (no rsID available, gnomAD 0.01%). This sequence change creates a premature translational stop signal (p.Leu856Glnfs*48) in the IFT172 gene. It is expected to result in an absent or disrupted protein product. Loss-of-function variants in IFT172 are known to be pathogenic (PMID: 24140113).

Literature cited by the submitters: PubMed 24140113 (cited by Labcorp Genetics (formerly Invitae), Labcorp).

NM_015662.3(IFT172):c.2567del (p.Leu856fs)

Genes: IFT172 (intraflagellar transport 172; minus strand), LOC126806174 (CDK7 strongly-dependent group 2 enhancer GRCh37_chr2:27681686-27682885; plus strand). Cytogenetic location: 2p23.3.
Variant type: Deletion.
Coding change: c.2567del on transcript NM_015662.3 (MANE Select); coding-DNA position 2567, one base deleted (T; older notation c.2567delT).
Protein change: p.Leu856fs; shifts the reading frame from leucine 856.
Molecular consequence: frameshift variant.
Genome position (GRCh38, 1-based): chr2:27,459,784, A deleted on the plus strand (T on the coding strand, the reverse complement: IFT172 is on the minus strand). VCF-style (leftmost placement, unchanged base first): chr2-27459783-TA-T. GRCh37 (hg19) VCF-style: chr2-27682650-TA-T.
Other names: short protein forms L856fs.
Identifiers: ClinVar variation 1071120 (VCV001071120.8), dbSNP rs1357839545, ClinGen allele CA531765380.
Genomic context (GRCh38, chr2:27,459,783, plus strand): 5'-GTGATTAATGGCTGCATCAAGCTGCTTCTGCTGCACCAGGTGGTCCCCCCATGCCTCCTC[TA>T]GTTTCACCACCTCCACTGGGAAGGCCAATCGAGCCAGCTCTACCGCTGCCAGGGAGAGAA-3'